The following is an entry in ClinVar:

ClinVar aggregate classification (germline): Pathogenic (1 of 4 stars; one submission).

Allele frequency attached by ClinVar (database versions not stated): TOPMed below 0.00001.

Submission:

Labcorp Genetics (formerly Invitae), Labcorp
Classification: Pathogenic. Last evaluated: 2022-10-28. Review status: criteria provided, single submitter. Criteria: Invitae Variant Classification Sherloc (09022015). Collection method: clinical testing. Allele origin: germline.
Comment: For these reasons, this variant has been classified as Pathogenic. This variant has not been reported in the literature in individuals affected with PYROXD1-related conditions. This variant is present in population databases (no rsID available, gnomAD 0.003%). This sequence change creates a premature translational stop signal (p.Met390Glyfs*10) in the PYROXD1 gene. It is expected to result in an absent or disrupted protein product. Loss-of-function variants in PYROXD1 are known to be pathogenic (PMID: 27745833).

Literature cited by the submitters: PubMed 27745833.

NM_024854.5(PYROXD1):c.1168_1169del (p.Met390fs)

Gene: PYROXD1 (pyridine nucleotide-disulphide oxidoreductase domain 1; plus strand). Cytogenetic location: 12p12.1.
Variant type: Deletion.
Coding change: c.1168_1169del on transcript NM_024854.5 (MANE Select); coding-DNA positions 1168 to 1169, 2 bases deleted (AT; older notation c.1168_1169delAT).
Protein change: p.Met390fs; shifts the reading frame from methionine 390.
Molecular consequence: frameshift variant.
Genome position (GRCh38, 1-based): chr12:21,467,532-21,467,533, AT deleted. VCF-style (leftmost placement, unchanged base first): chr12-21467531-CAT-C. GRCh37 (hg19) VCF-style: chr12-21620465-CAT-C.
Other names: c.955_956del, p.Met319fs (NM_001350912.2); c.391_392del, p.Met131fs (NM_001350913.2); short protein forms M131fs, M390fs, M319fs.
Identifiers: ClinVar variation 2805653 (VCV002805653.3), dbSNP rs1459973740, ClinGen allele CA603670676.